The following is an entry in ClinVar:

ClinVar aggregate classification (germline): Uncertain significance (1 of 4 stars; one submission).

Conditions:
Fanconi anemia (FA). Also called: Fanconi's anemia. Identifiers: Orphanet 84, MedGen C0015625, MeSH D005199, MONDO:0019391.

Submission:

Labcorp Genetics (formerly Invitae), Labcorp
Classification: Uncertain significance for Fanconi anemia. Last evaluated: 2024-11-07. Review status: criteria provided, single submitter. Criteria: Invitae Variant Classification Sherloc (09022015). Collection method: clinical testing. Allele origin: germline.
Comment: This sequence change replaces leucine, which is neutral and non-polar, with serine, which is neutral and polar, at codon 460 of the FANCB protein (p.Leu460Ser). This variant is not present in population databases (gnomAD no frequency). This variant has not been reported in the literature in individuals affected with FANCB-related conditions. Invitae Evidence Modeling of protein sequence and biophysical properties (such as structural, functional, and spatial information, amino acid conservation, physicochemical variation, residue mobility, and thermodynamic stability) indicates that this missense variant is not expected to disrupt FANCB protein function with a negative predictive value of 80%. In summary, the available evidence is currently insufficient to determine the role of this variant in disease. Therefore, it has been classified as a Variant of Uncertain Significance.

NM_001018113.3(FANCB):c.1379T>C (p.Leu460Ser)

Gene: FANCB (FA complementation group B; minus strand). Cytogenetic location: Xp22.2.
Variant type: single nucleotide variant.
Coding change: c.1379T>C on transcript NM_001018113.3 (MANE Select); coding-DNA position 1379, T replaced by C.
Protein change: p.Leu460Ser; replaces leucine 460 with serine.
Molecular consequence: missense variant.
Genome position (GRCh38, 1-based): chrX:14,850,622, A>G on the plus strand (T>C on the coding strand, the complement: FANCB is on the minus strand). VCF-style: chrX-14850622-A-G. GRCh37 (hg19) VCF-style: chrX-14868744-A-G.
Other names: c.1379T>C, p.Leu460Ser (NM_001324162.2, NM_001410764.1, NM_152633.4); short protein forms L460S.
Identifiers: ClinVar variation 3670239 (VCV003670239.2).